The following is an entry in ClinVar:

NM_144605.5(SEPTIN12):c.777C>T (p.Asn259=)

Gene: SEPTIN12 (septin 12; minus strand). Cytogenetic location: 16p13.3.
Variant type: single nucleotide variant.
Coding change: c.777C>T on transcript NM_144605.5 (MANE Select); coding-DNA position 777, C replaced by T.
Protein change: p.Asn259=; no amino-acid change (asparagine 259 retained).
Molecular consequence: synonymous variant.
Genome position (GRCh38, 1-based): chr16:4,779,736, G>A on the plus strand (C>T on the coding strand, the complement: SEPTIN12 is on the minus strand). VCF-style: chr16-4779736-G-A. GRCh37 (hg19) VCF-style: chr16-4829737-G-A.
Other names: c.639C>T, p.Asn213= (NM_001154458.3).
Identifiers: ClinVar variation 3388142 (VCV003388142.14).

ClinVar aggregate classification (germline): Likely benign (1 of 4 stars; one submission).

gnomAD v4.1: 193 of 1,613,746 alleles (0.012%); highest among the groups gnomAD compares: Non-Finnish European, 0.015%; no homozygotes.

Submission:

CeGaT Center for Human Genetics Tuebingen
Classification: Likely benign. Last evaluated: 2024-11-01. Review status: criteria provided, single submitter. Criteria: CeGaT Center For Human Genetics Tuebingen Variant Classification Criteria Version 2. Collection method: clinical testing. Allele origin: germline. Affected: yes. Observed: 1 variant allele.
Comment: SEPTIN12: BP4, BP7